The following is an entry in ClinVar:

NM_003098.3(SNTA1):c.1425+1G>A

Gene: SNTA1 (syntrophin alpha 1; minus strand). Cytogenetic location: 20q11.21.
Variant type: single nucleotide variant.
Coding change: c.1425+1G>A on transcript NM_003098.3 (MANE Select); the canonical splice donor site of the intron after coding-DNA position 1425, G replaced by A.
Molecular consequence: splice donor variant.
Genome position (GRCh38, 1-based): chr20:33,408,700, C>T on the plus strand (G>A on the coding strand, the complement: SNTA1 is on the minus strand). VCF-style: chr20-33408700-C-T. GRCh37 (hg19) VCF-style: chr20-31996506-C-T.
Identifiers: ClinVar variation 632994 (VCV000632994.8), dbSNP rs113809208, ClinGen allele CA9816966.
Genomic context (GRCh38, chr20:33,408,700, plus strand): 5'-CCTGGCCTCCGAGAGTGCACACCCCCTCCTCCCCAGGGTGCAGAGGCAGCCCCTCACTCA[C>T]GATCTCGCCTTCAGCACCTCCAAAATCCAGGAAAAGGAGACTGGCACCGTCATCTGAAGA-3'

ClinVar aggregate classification (germline): Uncertain significance. Review status: criteria provided, multiple submitters, no conflicts (2 of 4 stars). 5 submissions from 5 submitters: Uncertain significance (5). Last evaluated 2025-09-03.

Conditions:
Cardiovascular phenotype. Identifiers: MedGen CN230736.
Long QT syndrome 12 (LQT12). Identifiers: Orphanet 101016, Orphanet 768, MedGen C2751830, MONDO:0013062, OMIM 612955.
Long QT syndrome (LQTS). Identifiers: MedGen C0023976, MeSH D008133, MONDO:0002442. Disease mechanism: loss of function. Inheritance: Various modes of inheritance.

Allele frequency attached by ClinVar (database versions not stated): ExAC 0.00001; gnomAD 0.00001; TOPMed 0.00001; gnomAD exomes 0.00002.
gnomAD v4.1: 22 of 1,613,876 alleles (0.0014%); highest among the groups gnomAD compares: Admixed American, 0.0033%; no homozygotes.

Submissions (5):

Labcorp Genetics (formerly Invitae), Labcorp
Classification: Uncertain significance for Long QT syndrome. Last evaluated: 2025-09-03. Review status: criteria provided, single submitter. Criteria: Invitae Variant Classification Sherloc (09022015). Collection method: clinical testing. Allele origin: germline.
Comment: This sequence change falls in intron 7 of the SNTA1 gene. It does not directly change the encoded amino acid sequence of the SNTA1 protein. It affects a nucleotide within the consensus splice site. This variant is present in population databases (rs113809208, gnomAD 0.004%). This variant has not been reported in the literature in individuals affected with SNTA1-related conditions. ClinVar contains an entry for this variant (Variation ID: 632994). Variants that disrupt the consensus splice site are a relatively common cause of aberrant splicing (PMID: 17576681, 9536098). Algorithms developed to predict the effect of sequence changes on RNA splicing suggest that this variant may disrupt the consensus splice site. In summary, the available evidence is currently insufficient to determine the role of this variant in disease. Therefore, it has been classified as a Variant of Uncertain Significance.

Ambry Genetics
Classification: Uncertain significance for Cardiovascular phenotype. Last evaluated: 2025-01-13. Review status: criteria provided, single submitter. Criteria: Ambry Variant Classification Scheme 2023. Collection method: clinical testing. Allele origin: germline.
Comment: The c.1425+1G>A intronic variant results from a G to A substitution one nucleotide after coding exon 7 of the SNTA1 gene. This nucleotide position is highly conserved in available vertebrate species. In silico splice site analysis predicts that this alteration will weaken the native splice donor site and will result in the creation or strengthening of a novel splice donor site. Alterations that disrupt the canonical splice site are expected to cause aberrant splicing, resulting in an abnormal protein or a transcript that is subject to nonsense-mediated mRNA decay. However, loss of function of SNTA1 has not been established as a mechanism of disease. The evidence for this gene-disease relationship is limited; therefore, the clinical significance of this alteration is unclear.

Fulgent Genetics
Classification: Uncertain significance for Long QT syndrome 12. Last evaluated: 2021-11-24. Review status: criteria provided, single submitter. Criteria: ACMG Guidelines, 2015. Collection method: clinical testing. Allele origin: unknown.

AiLife Diagnostics
Classification: Uncertain significance. Last evaluated: 2021-09-24. Review status: criteria provided, single submitter. Criteria: ACMG Guidelines, 2015. Collection method: clinical testing. Allele origin: germline. Affected: yes. Observed: 1 variant allele.

Women's Health and Genetics/Laboratory Corporation of America, LabCorp
Classification: Uncertain significance. Last evaluated: 2018-04-30. Review status: criteria provided, single submitter. Criteria: LabCorp Variant Classification Summary - May 2015. Collection method: clinical testing. Allele origin: germline.
Comment: Variant summary: SNTA1 c.1425+1G>A is located in a canonical splice-site and is predicted to affect mRNA splicing resulting in a significantly altered protein due to either exon skipping, shortening, or inclusion of intronic material. Several computational tools predict a significant impact on normal splicing: Five predict the variant abolishes a 5' splicing donor site. However, these predictions have yet to be confirmed by functional studies. One study (Ueda et al, 2008) reported that SNTA1 connects SCN5A to the nNOSPMCA complex in heart and that a perturbation in SNTA1, stemming from a rare missense mutation (A390V) found in an LQTS patient, selectively disrupted association with PMCA4b, increased SCN5A nitrosylation, and increased late sodium current (INa) in both a noncardiomyocyte heterologous expression system and in native cardiomyocytes. This study supported "gain of function" as the most likely mechanism of action for SNTA1 associated Long QT syndrome (LQT12). Therefore, the effect of the variant of interest, i.e., a splice-site variant on the associated pathophysiology of disease is uncertain. The variant allele was found at a frequency of 2e 05 in 246252 control chromosomes. The observed variant frequency is approximately 2.03 fold of the estimated maximal expected allele frequency for a pathogenic variant in SNTA1 causing Arrhythmia phenotype (1e-05), strongly suggesting that the variant is benign. To our knowledge, no occurrence of c.1425+1G>A in individuals affected with Arrhythmia and no experimental evidence demonstrating its impact on protein function have been reported. No clinical diagnostic laboratories have submitted clinical-significance assessments for this variant to ClinVar after 2014. Based on the evidence outlined above, the variant was classified as uncertain significance.

Literature cited by the submitters: PubMed 17576681 (cited by Labcorp Genetics (formerly Invitae), Labcorp); PubMed 9536098 (cited by Labcorp Genetics (formerly Invitae), Labcorp).